The following is an entry in ClinVar:

NC_012920.1(MT-CO1):m.6930G>A

Gene: MT-CO1 (mitochondrially encoded cytochrome c oxidase I; plus strand).
Variant type: single nucleotide variant.
Genome position: chrM-6930-G-A.
Other names: 6930G-A.
Identifiers: ClinVar variation 9668 (VCV000009668.2), dbSNP rs28679680, ClinGen allele CA120612.

ClinVar aggregate classification (germline): Likely pathogenic. Review status: reviewed by expert panel (3 of 4 stars). 2 submissions from 2 submitters: Likely pathogenic (1). 1 of the submissions does not count toward it. Last evaluated 2024-01-22.

Conditions:
Mitochondrial disease. Also called: Mitochondrial disorder; Mitochondrial disorders. Identifiers: Orphanet 68380, MedGen C0751651, MeSH D028361, MONDO:0044970.
Mitochondrial complex IV deficiency, nuclear type 1 (MC4DN1). Also called: COX DEFICIENCY; Mitochondrial complex IV deficiency; Complex 4 mitochondrial respiratory chain deficiency; Deficiency of mitochondrial respiratory chain complex4; Complex IV deficiency. Identifiers: MedGen C5435656, MONDO:0700250, OMIM 220110. Disease mechanism: loss of function.

Submissions (2):

ClinGen Mitochondrial Disease Nuclear and Mitochondrial  Variant Curation Expert Panel, ClinGen
Classification: Likely pathogenic for Mitochondrial disease. Last evaluated: 2024-01-22. Review status: reviewed by expert panel. Criteria: McCormick et al. (Hum Mutat. 2020). Collection method: curation. Allele origin: germline. Inheritance: Mitochondrial inheritance.
Comment: Clinical features included cataracts, profound sensorineural hearing loss, myoclonic epilepsy, cerebellar ataxia, progressive muscle weakness and atrophy, progressive vision loss due to optic atrophy, and a severe sensorimotor neuropathy. Brain imaging showed diffuse cerebellar atrophy and bilateral small symmetrical nodular hyperintensities in the basal ganglia (head of the caudatus and putamen). The variant was present at 27% heteroplasmy in blood, 75% in muscle, and 33% in myoblasts. As this is the only case reported to date, PS4 could not be applied. The variant was absent in blood from her mother, sister, and four maternal aunts (PM6_supporting). Computational predictors are not applicable for this variant type precluding consideration for PP3 or BP4. This variant is absent in the GenBank dataset, Helix dataset, and gnomAD v3.1.2 (PM2_supporting). This variant results in loss of the last 170 amino acids (33% of the protein, PVS1_strong). Cybrid studies supported the functional impact of this variant (PS3_supporting; PMIDs: 10441567, 11595737). In summary, this variant meets criteria to be classified as likely pathogenic for primary mitochondrial disease inherited in a mitochondrial manner. This classification was approved by the NICHD/NINDS U24 ClinGen Mitochondrial Disease Variant Curation Expert Panel on January 22, 2024. Mitochondrial DNA-specific ACMG/AMP criteria applied (PMID: 32906214): PM6_supporting, PM2_supporting, PS3_supporting, PVS1_strong.

OMIM
Classification: Pathogenic for CYTOCHROME c OXIDASE DEFICIENCY. Last evaluated: 1999-09-01. Review status: no assertion criteria provided. Collection method: literature only. Allele origin: germline. Not counted in ClinVar's aggregate classification.

Literature cited by the submitters: PubMed 10441567 (cited by OMIM).